The following is an entry in ClinVar:

ClinVar aggregate classification (germline): Pathogenic. Review status: criteria provided, multiple submitters, no conflicts (2 of 4 stars). 16 submissions from 12 submitters: Pathogenic (9). 7 of the submissions do not count toward it. Last evaluated 2026-01-23.

Conditions:
EVC2-related disorder. Also called: EVC2-related condition.
EVC2-related disorders.
Type IV short rib polydactyly syndrome (SRTD12). Also called: SHORT RIB SYNDROME, BEEMER TYPE; SRPS IV; Short rib-polydactyly syndrome type 4; SRPS type 4; Short rib-polydactyly syndrome Beemer type; Beemer-Langer syndrome. Identifiers: Orphanet 93268, MedGen C0432198, MONDO:0010024, OMIM 269860.
Ellis-van Creveld syndrome (EVC). Also called: Chondroectodermal dysplasia; MESOECTODERMAL DYSPLASIA. Identifiers: Orphanet 289, MedGen C0013903, MONDO:0009162, OMIM 225500.
Curry-Hall syndrome (WAD). Also called: WEYERS ACRODENTAL DYSOSTOSIS. Identifiers: Orphanet 952, MedGen C0457013, MONDO:0008673, OMIM 193530.
Short-rib thoracic dysplasia 6 with or without polydactyly (SRTD6). Also called: SHORT-RIB THORACIC DYSPLASIA 6 WITH POLYDACTYLY; SHORT-RIB THORACIC DYSPLASIA 6 WITHOUT POLYDACTYLY; POLYDACTYLY WITH NEONATAL CHONDRODYSTROPHY, TYPE II; Majewski Syndrome; SHORT RIB-POLYDACTYLY SYNDROME, TYPE IIA. Identifiers: MedGen C0024507, MONDO:0009894, OMIM 263520.

Allele frequency attached by ClinVar (database versions not stated): ExAC 0.00003; gnomAD exomes 0.00003 and 0.00011; gnomAD 0.00005; TOPMed 0.00005.
gnomAD v4.1: 169 of 1,613,830 alleles (0.01%); highest among the groups gnomAD compares: Non-Finnish European, 0.014%; no homozygotes.

Submissions (17):

PreventionGenetics, part of Exact Sciences
Classification: Pathogenic for EVC2-related condition. Last evaluated: 2026-01-23. Review status: criteria provided, single submitter. Criteria: ACMG Guidelines, 2015. Collection method: clinical testing. Allele origin: germline.
Comment: The EVC2 c.1708C>T variant is predicted to result in premature protein termination (p.Gln570*). This variant has been found in two patients affected with Ellis-van Creveld syndrome (Tompson et al. 2007. PubMed ID: 17024374). It has also been reported more recently in multiple patients diagnosed with either Ellis-van Creveld syndrome (EVCS) or perinatal lethal short-rib polydactyly syndrome (SRPS) type IV (Tables S2 and S3, Zhang et al. 2018. PubMed ID: 29068549).This variant is reported in 0.0054% of alleles in individuals of European (Non-Finnish) descent in gnomAD. Nonsense variants in EVC2 are expected to be pathogenic. This variant is interpreted as pathogenic for autosomal recessive EVCS and SPRS.

Labcorp Genetics (formerly Invitae), Labcorp
Classification: Pathogenic for Curry-Hall syndrome; Ellis-van Creveld syndrome. Last evaluated: 2025-12-29. Review status: criteria provided, single submitter. Criteria: Invitae Variant Classification Sherloc (09022015). Collection method: clinical testing. Allele origin: germline.
Comment: This sequence change creates a premature translational stop signal (p.Gln570*) in the EVC2 gene. It is expected to result in an absent or disrupted protein product. Loss-of-function variants in EVC2 are known to be pathogenic (PMID: 17024374, 19810119, 19876929). This variant is present in population databases (rs769864196, gnomAD 0.005%). This premature translational stop signal has been observed in individuals with Ellis–van Creveld syndrome or short-rib polydactyly syndromes (PMID: 17024374, 19876929, 29068549). ClinVar contains an entry for this variant (Variation ID: 446664). Algorithms developed to predict the effect of sequence changes on RNA splicing suggest that this variant may disrupt the consensus splice site. For these reasons, this variant has been classified as Pathogenic.

Women's Health and Genetics/Laboratory Corporation of America, LabCorp
Classification: Pathogenic for Ellis-van Creveld syndrome. Last evaluated: 2025-10-13. Review status: criteria provided, single submitter. Criteria: LabCorp Variant Classification Summary - May 2015. Collection method: clinical testing. Allele origin: germline.
Comment: Variant summary: EVC2 c.1708C>T (p.Gln570X) results in a premature termination codon, predicted to cause a truncation of the encoded protein or absence of the protein due to nonsense mediated decay, which are commonly known mechanisms for disease. The variant allele was found at a frequency of 3.2e-05 in 250262 control chromosomes. c.1708C>T has been observed in individuals affected with Ellis-van Creveld syndrome (e.g. Tompson_2007). These data indicate that the variant may be associated with disease. To our knowledge, no experimental evidence demonstrating an impact on protein function has been reported. The following publication has been ascertained in the context of this evaluation (PMID: 17024374). ClinVar contains an entry for this variant (Variation ID: 446664). Based on the evidence outlined above, the variant was classified as pathogenic.

Revvity Omics, Revvity
Classification: Pathogenic. Last evaluated: 2023-12-05. Review status: criteria provided, single submitter. Criteria: ACMG Guidelines, 2015. Collection method: clinical testing. Allele origin: germline.

Neuberg Centre For Genomic Medicine, NCGM
Classification: Pathogenic for Ellis-van Creveld syndrome. Last evaluated: 2023-06-22. Review status: criteria provided, single submitter. Criteria: ACMG Guidelines, 2015. Collection method: clinical testing. Allele origin: germline. Inheritance: Autosomal recessive inheritance. Affected: yes.
Comment: The observed stop gained c.1708C>Tp.Gln570Ter variant in EVC2 gene has been reported previously in homozygous or compound heterozygous state in individuals affected with Ellis‚Äìvan Creveld syndrome or short-rib polydactyly syndromes Zhang et al., 2018. This variant is reported with the allele frequency of 0.003% in the gnomAD Exomes. This variant has been reported to the ClinVar database as Likely Pathogenic / Pathogenic multiple submissions. This variant is predicted to cause loss of normal protein function either through protein truncation or nonsense-mediated mRNA decay. Loss of function variants have been previously reported to be disease causing Ruiz-Perez and Goodship, 2009. Computational evidence MutationTaster - Disease causing automatic predicts damaging effect on protein structure and function for this variant. For these reasons, this variant has been classified as Pathogenic. In the absence of another reportable variant, the molecular diagnosis is not confirmed.

GeneDx
Classification: Pathogenic. Last evaluated: 2023-01-30. Review status: criteria provided, single submitter. Criteria: GeneDx Variant Classification Process June 2021. Collection method: clinical testing. Allele origin: germline. Affected: yes.
Comment: Nonsense variant predicted to result in protein truncation or nonsense mediated decay in a gene for which loss of function is a known mechanism of disease; This variant is associated with the following publications: (PMID: 25525159, 17024374, 34313030, 19876929, 29068549)

Fulgent Genetics
Classification: Pathogenic for Curry-Hall syndrome; Ellis-van Creveld syndrome. Last evaluated: 2022-01-19. Review status: criteria provided, single submitter. Criteria: ACMG Guidelines, 2015. Collection method: clinical testing. Allele origin: unknown.

Blueprint Genetics
Classification: Pathogenic for EVC2-related disorders. Last evaluated: 2021-05-06. Review status: criteria provided, single submitter. Criteria: ACMG Guidelines, 2015. Collection method: clinical testing. Allele origin: germline. Affected: yes. Observed: 5 variant alleles.

Lifecell International Pvt. Ltd
Classification: Pathogenic for Ellis-van Creveld syndrome. Review status: criteria provided, single submitter. Criteria: ACMG Guidelines, 2015. Collection method: clinical testing. Allele origin: germline. Inheritance: Autosomal recessive inheritance. Affected: yes. Observed: 1 homozygote.
Comment: A Homozygote, Nonsense variant c.1708C>T in Exon 11 of the EVC2 gene that results in the amino acid substitution p.Gln570* was identified. The observed variant has a maximum allele frequency of 0.00003/0.00003% in gnomAD exomes and genomes, respectively. The severity of the impact of this variant on the protein is high, based on the effect of the protein and REVEL score . Rare Exome Variant Ensemble Learner (REVEL) is an ensembl method for predicting the pathogenicity of missense variants based on a combination of scores from 13 individual tools: MutPred, FATHMM v2.3, VEST 3.0, PolyPhen-2, SIFT, PROVEAN, MutationAssessor, MutationTaster, LRT, GERP++, SiPhy, phyloP, and phastCons. The REVEL score for an individual missense variant can range from 0 to 1, with higher scores reflecting greater likelihood that the variant is disease-causing. ClinVar has also classified this variant as Pathogenic (Clinvar ID: 446664). This disorder has previously been reported in the patient affected skeletal ciliopathies (Zhang W et. al 2017) Based on the above evidence this variant has been classified as Pathogenic according to the ACMG guidelines.

Dan Cohn Lab, University Of California Los Angeles
Classification: Pathogenic for Ellis-van Creveld Syndrome. Last evaluated: 2017-06-01. Review status: no assertion criteria provided. Collection method: research. Allele origin: maternal. Affected: yes. Not counted in ClinVar's aggregate classification.

Dan Cohn Lab, University Of California Los Angeles
Classification: Pathogenic for Short-rib thoracic dysplasia 6 with or without polydactyly. Last evaluated: 2017-06-01. Review status: no assertion criteria provided. Collection method: research. Allele origin: maternal. Affected: yes. Not counted in ClinVar's aggregate classification.

Dan Cohn Lab, University Of California Los Angeles
Classification: Pathogenic for Type IV short rib polydactyly syndrome. Last evaluated: 2017-06-01. Review status: no assertion criteria provided. Collection method: research. Allele origin: unknown. Affected: yes. Not counted in ClinVar's aggregate classification.

Counsyl
Classification: Pathogenic for Ellis-van Creveld syndrome. Last evaluated: 2017-03-21. Review status: no assertion criteria provided. Collection method: clinical testing. Allele origin: unknown. Not counted in ClinVar's aggregate classification.

Dr. Peter K. Rogan Lab, Western University
No classification provided (evidence only). Condition: Familial cancer of breast. Review status: no classification provided. Collection method: in vitro. Allele origin: not applicable. Functional consequence: retained intron. Not counted in ClinVar's aggregate classification.

University of Washington Center for Mendelian Genomics, University of Washington
Classification: Likely pathogenic for short-rib polydactyly syndrome type IV. Review status: no assertion criteria provided. Collection method: research. Allele origin: inherited. Affected: yes. Not counted in ClinVar's aggregate classification.

University of Washington Center for Mendelian Genomics, University of Washington
Classification: Likely pathogenic for short-rib polydactyly syndrome type II. Review status: no assertion criteria provided. Collection method: research. Allele origin: inherited. Affected: yes. Not counted in ClinVar's aggregate classification.

University of Washington Center for Mendelian Genomics, University of Washington
Classification: Likely pathogenic for Ellis van Creveld syndrome. Review status: no assertion criteria provided. Collection method: research. Allele origin: inherited. Affected: yes. Not counted in ClinVar's aggregate classification.

Literature cited by the submitters: PubMed 17024374 (cited by 3 submitters); PubMed 19810119 (cited by Labcorp Genetics (formerly Invitae), Labcorp); PubMed 19876929 (cited by Labcorp Genetics (formerly Invitae), Labcorp); PubMed 29068549 (cited by 4 submitters).

NM_147127.5(EVC2):c.1708C>T (p.Gln570Ter)

Gene: EVC2 (EvC ciliary complex subunit 2; minus strand). Cytogenetic location: 4p16.2.
Variant type: single nucleotide variant.
Coding change: c.1708C>T on transcript NM_147127.5 (MANE Select); coding-DNA position 1708, C replaced by T.
Protein change: p.Gln570Ter; replaces glutamine 570 with a stop codon.
Molecular consequence: nonsense.
Genome position (GRCh38, 1-based): chr4:5,631,795, G>A on the plus strand (C>T on the coding strand, the complement: EVC2 is on the minus strand). VCF-style: chr4-5631795-G-A. GRCh37 (hg19) VCF-style: chr4-5633522-G-A.
Other names: c.1468C>T, p.Gln490Ter (NM_001166136.2); short protein forms Q570*, Q490*.
Identifiers: ClinVar variation 446664 (VCV000446664.27), dbSNP rs769864196, ClinGen allele CA2834978.